The following is an entry in ClinVar:

NM_021971.4(GMPPB):c.927_944del (p.Trp310_Gly315del)

Gene: GMPPB (GDP-mannose pyrophosphorylase B; minus strand). Cytogenetic location: 3p21.31.
Variant type: Deletion.
Coding change: c.927_944del on transcript NM_021971.4 (MANE Select); coding-DNA positions 927 to 944, 18 bases deleted (CTGGCGCTGCCGCGTGGG).
Protein change: p.Trp310_Gly315del.
Molecular consequence: inframe deletion.
Genome position (GRCh38, 1-based): chr3:49,721,972-49,721,989, CCCACGCGGCAGCGCCAG deleted on the plus strand (CTGGCGCTGCCGCGTGGG on the coding strand, the reverse complement: GMPPB is on the minus strand); deleting any 18 consecutive bases within chr3:49,721,972-49,721,994 gives the same sequence; the c. name uses the placement nearest the transcript's 3' end. VCF-style (leftmost placement, unchanged base first): chr3-49721971-ACCCACGCGGCAGCGCCAG-A. GRCh37 (hg19) VCF-style: chr3-49759404-ACCCACGCGGCAGCGCCAG-A.
Other names: chr3:49721971ACCCACGCGGCAGCGCCAG>A; c.927_944del, p.Trp310_Gly315del (NM_013334.4).
Identifiers: ClinVar variation 4819960 (VCV004819960.1).
Genomic context (GRCh38, chr3:49,721,971, plus strand): 5'-GAGGCAGGCACACTCCCCGCCCCTCTCCCCACCCAGCCCAGCCCACAGGCTTACCCACTG[ACCCACGCGGCAGCGCCAG>A]CCCACAATGCAGGACTCAAGCCAGGAATGGGAACGGATCCGGGCATCCCGCAGCACCGTG-3'

ClinVar aggregate classification (germline): Likely pathogenic (1 of 4 stars; one submission).

Conditions:
Muscular dystrophy-dystroglycanopathy (congenital with impaired intellectual development), type B, 14. Also called: MUSCULAR DYSTROPHY, CONGENITAL, GMPPB-RELATED; Congenital muscular dystrophy-dystroglycanopathy with mental retardation, type B14; Muscular dystrophy-dystroglycanopathy (congenital with intellectual disability), type B14. Identifiers: MedGen C3809221, MONDO:0014141, OMIM 615351.
Autosomal recessive limb-girdle muscular dystrophy type 2T. Also called: MUSCULAR DYSTROPHY-DYSTROGLYCANOPATHY, LIMB-GIRDLE, GMPPB-RELATED; MUSCULAR DYSTROPHY, LIMB-GIRDLE, TYPE 2T; Muscular dystrophy-dystroglycanopathy (limb-girdle), type c, 14; Limb-girdle muscular dystrophy-dystroglycanopathy, type C14. Identifiers: Orphanet 363623, MedGen C4518000, MONDO:0014142, OMIM 615352.

Submission:

Laboratory of Functional Genomics, Research Centre for Medical Genetics
Classification: Likely pathogenic for Muscular dystrophy-dystroglycanopathy (congenital with impaired intellectual development), type B, 14; Autosomal recessive limb-girdle muscular dystrophy type 2T. Review status: criteria provided, single submitter. Criteria: ACMG Guidelines, 2015. Collection method: clinical testing. Allele origin: maternal. Inheritance: Autosomal recessive inheritance. Affected: yes. Observed: 1 variant allele, 1 compound heterozygote.
Comment: The variant is located in the trans position with a previously described missense variant, NM_021971.4:c.332T>G (p.Val111Met). To determine the impact of the c.927_944del variant on the structure of the GMPPB mRNA, RT-PCR analysis was performed on RNA isolated from skin fibroblasts of the proband and the proband's mother, followed by deep sequencing of the resulting PCR products. The analysis conducted in both individuals revealed 40% of transcripts with exon 8 shortened by 26 nucleotides. This event leads to a frameshift, alteration of the C-terminal domain, and truncation of the protein by 60 amino acid residues, p.(Trp310LysfsTer19). Thus, according to the ACMG 2015 criteria (PM2, PS3, PM3), the variant has been classified by us as likely pathogenic.